The following is an entry in ClinVar:

ClinVar aggregate classification (germline): Likely benign (0 of 4 stars; one submission).

Conditions:
NDUFA12-related disorder. Also called: NDUFA12-related condition.

Submission:

PreventionGenetics, part of Exact Sciences
Classification: Likely benign for NDUFA12-related condition. Last evaluated: 2019-03-11. Review status: no assertion criteria provided. Collection method: clinical testing. Allele origin: germline.
Comment: This variant is classified as likely benign based on ACMG/AMP sequence variant interpretation guidelines (Richards et al. 2015 PMID: 25741868, with internal and published modifications).

NM_018838.5(NDUFA12):c.86+6C>A

Gene: NDUFA12 (NADH:ubiquinone oxidoreductase subunit A12; minus strand). Cytogenetic location: 12q22.
Variant type: single nucleotide variant.
Coding change: c.86+6C>A on transcript NM_018838.5 (MANE Select); 6 bases into the intron after coding-DNA position 86, C replaced by A.
Molecular consequence: intron variant.
Genome position (GRCh38, 1-based): chr12:95,003,589, G>T on the plus strand (C>A on the coding strand, the complement: NDUFA12 is on the minus strand). VCF-style: chr12-95003589-G-T. GRCh37 (hg19) VCF-style: chr12-95397365-G-T.
Other names: c.86+6C>A (NM_001258338.2).
Identifiers: ClinVar variation 3353156 (VCV003353156.1).